The following is an entry in ClinVar:

NM_001080414.4(CCDC88C):c.3075delinsCGA (p.Lys1025fs)

Gene: CCDC88C (coiled-coil and HOOK domain protein 88C; minus strand). Cytogenetic location: 14q32.11.
Variant type: Indel.
Coding change: c.3075delinsCGA on transcript NM_001080414.4 (MANE Select); coding-DNA position 3075, G replaced by CGA.
Protein change: p.Lys1025fs; shifts the reading frame from lysine 1025.
Molecular consequence: frameshift variant. On other transcripts: non-coding transcript variant (2).
Genome position (GRCh38, 1-based): chr14:91,307,158, C replaced by TCG on the plus strand (G replaced by CGA on the coding strand, the reverse complement: CCDC88C is on the minus strand). VCF-style: chr14-91307158-C-TCG. GRCh37 (hg19) VCF-style: chr14-91773502-C-TCG.
Other names: short protein forms K1025fs.
Identifiers: ClinVar variation 5014310 (VCV005014310.1).

ClinVar aggregate classification (germline): Pathogenic (1 of 4 stars; one submission).

Conditions:
Hydrocephalus, nonsyndromic, autosomal recessive 1 (HYC1). Also called: Hydrocephalus, nonsyndromic, autosomal recessive; Congenital hydrocephalus 1. Identifiers: Orphanet 2185, MedGen C3887608, MONDO:0009360, OMIM 236600.

Submission:

Myriad Genetics, Inc.
Classification: Pathogenic for Hydrocephalus, nonsyndromic, autosomal recessive 1. Last evaluated: 2025-04-07. Review status: criteria provided, single submitter. Criteria: Myriad Autosomal Dominant, Autosomal Recessive and X-Linked Classification Criteria (2023). Collection method: clinical testing. Allele origin: unknown.
Comment: NM_001080414.3(CCDC88C):c.3075delGinsCGA(K1025Nfs*32) is expected to be pathogenic in the context of congenital hydrocephalus, CCDC88C-related. This variant is predicted to lead to an abnormal or absent protein product due to the creation of a premature termination codon in CCDC88C, a gene where loss-of-function variants are known to be pathogenic. Please note: this variant was assessed in the context of healthy population screening.